The following is an entry in ClinVar:

NM_001927.4(DES):c.742C>A (p.Arg248Ser)

Gene: DES (desmin; plus strand). Cytogenetic location: 2q35.
Variant type: single nucleotide variant.
Coding change: c.742C>A on transcript NM_001927.4 (MANE Select); coding-DNA position 742, C replaced by A.
Protein change: p.Arg248Ser; replaces arginine 248 with serine.
Molecular consequence: missense variant. On other transcripts: intron variant (2).
Genome position (GRCh38, 1-based): chr2:219,420,501, C>A. VCF-style: chr2-219420501-C-A. GRCh37 (hg19) VCF-style: chr2-220285223-C-A.
Other names: c.739C>A, p.Arg247Ser (NM_001382708.1); c.742C>A, p.Arg248Ser (NM_001382710.1, NM_001382711.1, NM_001382712.1); c.735+155C>A (NM_001382709.1); c.496-24C>A (NM_001382713.1); short protein forms R247S, R248S.
Identifiers: ClinVar variation 2936690 (VCV002936690.3), dbSNP rs772117708, ClinGen allele CA350690741.

ClinVar aggregate classification (germline): Uncertain significance (1 of 4 stars; one submission).

Conditions:
Desmin-related myofibrillar myopathy (MFM1). Also called: Desminopathy; Desmin related myopathy (former name); Desmin storage myopathy (former name); MYOFIBRILLAR MYOPATHY WITH ARRHYTHMOGENIC RIGHT VENTRICULAR CARDIOMYOPATHY; DESMIN-RELATED MYOPATHY WITH ARRHYTHMOGENIC RIGHT VENTRICULAR CARDIOMYOPATHY; Myofibrillar myopathy 1. Identifiers: Orphanet 363543, Orphanet 98909, MedGen C1832370, MONDO:0011076, OMIM 601419.

gnomAD v4.1: 1 of 1,613,902 alleles (0.000062%); no homozygotes.

Submission:

Labcorp Genetics (formerly Invitae), Labcorp
Classification: Uncertain significance for Desmin-related myofibrillar myopathy. Last evaluated: 2023-01-01. Review status: criteria provided, single submitter. Criteria: Invitae Variant Classification Sherloc (09022015). Collection method: clinical testing. Allele origin: germline.
Comment: In summary, the available evidence is currently insufficient to determine the role of this variant in disease. Therefore, it has been classified as a Variant of Uncertain Significance. Advanced modeling of protein sequence and biophysical properties (such as structural, functional, and spatial information, amino acid conservation, physicochemical variation, residue mobility, and thermodynamic stability) has been performed at Invitae for this missense variant, however the output from this modeling did not meet the statistical confidence thresholds required to predict the impact of this variant on DES protein function. This variant has not been reported in the literature in individuals affected with DES-related conditions. This variant is not present in population databases (gnomAD no frequency). This sequence change replaces arginine, which is basic and polar, with serine, which is neutral and polar, at codon 248 of the DES protein (p.Arg248Ser).